The following is an entry in ClinVar:

ClinVar aggregate classification (germline): Likely benign. Review status: criteria provided, multiple submitters, no conflicts (2 of 4 stars). 4 submissions from 4 submitters: Likely benign (4). Last evaluated 2025-09-09.

Conditions:
Nephronophthisis 15 (NPHP15). Identifiers: Orphanet 3156, MedGen C3541853, MONDO:0013917, OMIM 614845.
CEP164-related disorder. Also called: CEP164-related condition.

Allele frequency attached by ClinVar (database versions not stated): gnomAD exomes 0.00002 and 0.00005; ExAC 0.00007; TOPMed 0.00015; 1000 Genomes Project 30x 0.00016; gnomAD 0.00018; 1000 Genomes Project 0.00020; ESP Exome Variant Server 0.00023.
gnomAD v4.1: 80 of 1,613,396 alleles (0.005%); highest among the groups gnomAD compares: African/African-American, 0.074%; no homozygotes.

Submissions (4):

Labcorp Genetics (formerly Invitae), Labcorp
Classification: Likely benign for Nephronophthisis 15. Last evaluated: 2025-09-09. Review status: criteria provided, single submitter. Criteria: Invitae Variant Classification Sherloc (09022015). Collection method: clinical testing. Allele origin: germline.

PreventionGenetics, part of Exact Sciences
Classification: Likely benign for CEP164-related condition. Last evaluated: 2024-12-16. Review status: criteria provided, single submitter. Criteria: ACMG Guidelines, 2015. Collection method: clinical testing. Allele origin: germline.
Comment: This variant is classified as likely benign based on ACMG/AMP sequence variant interpretation guidelines (Richards et al. 2015 PMID: 25741868, with internal and published modifications).

Blueprint Genetics
Classification: Likely benign. Last evaluated: 2024-01-19. Review status: criteria provided, single submitter. Criteria: ACMG Guidelines, 2015. Collection method: clinical testing. Allele origin: germline.

Fulgent Genetics
Classification: Likely benign for Nephronophthisis 15. Last evaluated: 2022-01-24. Review status: criteria provided, single submitter. Criteria: ACMG Guidelines, 2015. Collection method: clinical testing. Allele origin: unknown.

NM_014956.5(CEP164):c.315T>C (p.Thr105=)

Gene: CEP164 (centrosomal protein 164; plus strand). Cytogenetic location: 11q23.3.
Variant type: single nucleotide variant.
Coding change: c.315T>C on transcript NM_014956.5 (MANE Select); coding-DNA position 315, T replaced by C.
Protein change: p.Thr105=; no amino-acid change (threonine 105 retained).
Molecular consequence: synonymous variant.
Genome position (GRCh38, 1-based): chr11:117,351,910, T>C. VCF-style: chr11-117351910-T-C. GRCh37 (hg19) VCF-style: chr11-117222626-T-C.
Other names: c.315T>C (NM_014956.4); c.315T>C, p.Thr105= (NM_001271933.2).
Identifiers: ClinVar variation 1098961 (VCV001098961.12), dbSNP rs147988387, ClinGen allele CA6294394.
Genomic context (GRCh38, chr11:117,351,910, plus strand): 5'-CCATCCATGTGACGAACACTATCGGAGCTTGGTGATCCAAGAGCGGGCAAAGCTGTCAAC[T>C]TCTGGGGCCATTAAGAAGAAGAAAAAAAAAAAGGAAAAGAAAGACAAGAAGGACAGAGAC-3'
Protein context (NP_055771.4, residues 95-115): LVIQERAKLS[Thr105=]SGAIKKKKKK